The following is an entry in ClinVar:

NM_004999.4(MYO6):c.2857G>A (p.Glu953Lys)

Gene: MYO6 (myosin VI; plus strand). Cytogenetic location: 6q14.1.
Variant type: single nucleotide variant.
Coding change: c.2857G>A on transcript NM_004999.4 (MANE Select); coding-DNA position 2857, G replaced by A.
Protein change: p.Glu953Lys; replaces glutamic acid 953 with lysine.
Molecular consequence: missense variant. On other transcripts: non-coding transcript variant (1).
Genome position (GRCh38, 1-based): chr6:75,890,255, G>A. VCF-style: chr6-75890255-G-A. GRCh37 (hg19) VCF-style: chr6-76599972-G-A.
Other names: c.2857G>A, p.Glu953Lys (NM_001300899.2, NM_001368136.1, NM_001368137.1 and 2 more transcripts); c.2842G>A, p.Glu948Lys (NM_001368138.1); short protein forms E948K, E953K.
Identifiers: ClinVar variation 2956013 (VCV002956013.3), dbSNP rs1210893476, ClinGen allele CA364777259.

ClinVar aggregate classification (germline): Uncertain significance (1 of 4 stars; one submission).

Allele frequency attached by ClinVar (database versions not stated): gnomAD exomes below 0.00001; TOPMed below 0.00001.
gnomAD v4.1: 4 of 1,613,744 alleles (0.00025%); highest among the groups gnomAD compares: African/African-American, 0.0013%; no homozygotes.

Submission:

Labcorp Genetics (formerly Invitae), Labcorp
Classification: Uncertain significance. Last evaluated: 2023-06-27. Review status: criteria provided, single submitter. Criteria: Invitae Variant Classification Sherloc (09022015). Collection method: clinical testing. Allele origin: germline.
Comment: This variant has not been reported in the literature in individuals affected with MYO6-related conditions. This sequence change replaces glutamic acid, which is acidic and polar, with lysine, which is basic and polar, at codon 953 of the MYO6 protein (p.Glu953Lys). This variant is present in population databases (no rsID available, gnomAD 0.007%). Advanced modeling of protein sequence and biophysical properties (such as structural, functional, and spatial information, amino acid conservation, physicochemical variation, residue mobility, and thermodynamic stability) performed at Invitae indicates that this missense variant is not expected to disrupt MYO6 protein function. In summary, the available evidence is currently insufficient to determine the role of this variant in disease. Therefore, it has been classified as a Variant of Uncertain Significance.